The following is an entry in ClinVar:

ClinVar aggregate classification (germline): Uncertain significance (1 of 4 stars; one submission).

Conditions:
Inborn genetic diseases. Identifiers: MedGen C0950123, MeSH D030342.

Submission:

Ambry Genetics
Classification: Uncertain significance for Inborn genetic diseases. Last evaluated: 2025-10-23. Review status: criteria provided, single submitter. Criteria: Ambry Variant Classification Scheme 2023. Collection method: clinical testing. Allele origin: germline.
Comment: The p.E666K variant (also known as c.1996G>A), located in coding exon 1 of the SAMD9 gene, results from a G to A substitution at nucleotide position 1996. The glutamic acid at codon 666 is replaced by lysine, an amino acid with similar properties. This amino acid position is conserved. In addition, this alteration is predicted to be tolerated by in silico analysis. Based on the available evidence, the clinical significance of this variant remains unclear.

NM_017654.4(SAMD9):c.1996G>A (p.Glu666Lys)

Gene: SAMD9 (sterile alpha motif domain containing 9; minus strand). Cytogenetic location: 7q21.2.
Variant type: single nucleotide variant.
Coding change: c.1996G>A on transcript NM_017654.4 (MANE Select); coding-DNA position 1996, G replaced by A.
Protein change: p.Glu666Lys; replaces glutamic acid 666 with lysine.
Molecular consequence: missense variant.
Genome position (GRCh38, 1-based): chr7:93,104,102, C>T on the plus strand (G>A on the coding strand, the complement: SAMD9 is on the minus strand). VCF-style: chr7-93104102-C-T. GRCh37 (hg19) VCF-style: chr7-92733415-C-T.
Other names: c.1996G>A, p.Glu666Lys (NM_001193307.2); short protein forms E666K.
Identifiers: ClinVar variation 4629892 (VCV004629892.1).